The following is an entry in ClinVar:

ClinVar aggregate classification (germline): Likely benign. Review status: criteria provided, multiple submitters, no conflicts (2 of 4 stars). 2 submissions from 2 submitters: Likely benign (2). Last evaluated 2025-04-09.

Submissions (2):

Molecular Diagnostic Laboratory for Inherited Cardiovascular Disease, Montreal Heart Institute
Classification: Likely benign. Last evaluated: 2025-04-09. Review status: criteria provided, single submitter. Criteria: ACMG Guidelines, 2015. Collection method: clinical testing. Allele origin: germline. Affected: no.

GeneDx
Classification: Likely benign. Last evaluated: 2018-04-26. Review status: criteria provided, single submitter. Criteria: GeneDx Variant Classification (06012015). Collection method: clinical testing. Allele origin: germline. Affected: yes.
Comment: This variant is considered likely benign or benign based on one or more of the following criteria: it is a conservative change, it occurs at a poorly conserved position in the protein, it is predicted to be benign by multiple in silico algorithms, and/or has population frequency not consistent with disease.

NM_001267550.2(TTN):c.84166C>T (p.Pro28056Ser)

Genes: TTN (titin; minus strand), TTN-AS1 (TTN antisense RNA 1; plus strand). Cytogenetic location: 2q31.2.
Variant type: single nucleotide variant.
Coding change: c.84166C>T on transcript NM_001267550.2 (MANE Select); coding-DNA position 84166, C replaced by T.
Protein change: p.Pro28056Ser; replaces proline 28056 with serine.
Molecular consequence: missense variant.
Genome position (GRCh38, 1-based): chr2:178,561,966, G>A on the plus strand (C>T on the coding strand, the complement: TTN is on the minus strand). VCF-style: chr2-178561966-G-A. GRCh37 (hg19) VCF-style: chr2-179426693-G-A.
Other names: c.79243C>T, p.Pro26415Ser (NM_001256850.1); c.56971C>T, p.Pro18991Ser (NM_003319.4); c.76462C>T, p.Pro25488Ser (NM_133378.4); c.57346C>T, p.Pro19116Ser (NM_133432.3); c.57547C>T, p.Pro19183Ser (NM_133437.4); short protein forms P18991S, P19116S, P25488S, P28056S, P19183S, P26415S.
Identifiers: ClinVar variation 682501 (VCV000682501.2), dbSNP rs1575629206, ClinGen allele CA349561957.
Genomic context (GRCh38, chr2:178,561,966, plus strand): 5'-AAGAAATGGTTATGCTGTCACAACTAACCTCATCAATACGTATAGGACCTGGAGGTCCTG[G>A]TCTGTCAAGGACAATTATAGTAATAGGAACTGTTATGGATCCAGCACTGTTTGAAACACA-3'
Protein context (NP_001254479.2, residues 28046-28066): VPITIIVLDR[Pro28056Ser]GPPGPIRIDE